The following is an entry in ClinVar:

NM_001370466.1(NOD2):c.2506A>G (p.Met836Val)

Gene: NOD2 (nucleotide binding oligomerization domain containing 2; plus strand). Cytogenetic location: 16q12.1.
Variant type: single nucleotide variant.
Coding change: c.2506A>G on transcript NM_001370466.1 (MANE Select); coding-DNA position 2506, A replaced by G.
Protein change: p.Met836Val; replaces methionine 836 with valine.
Molecular consequence: missense variant. On other transcripts: non-coding transcript variant (1).
Genome position (GRCh38, 1-based): chr16:50,716,931, A>G. VCF-style: chr16-50716931-A-G. GRCh37 (hg19) VCF-style: chr16-50750842-A-G.
Other names: c.2506A>G, p.Met836Val (NM_001293557.2); c.2587A>G, p.Met863Val (NM_022162.3); c.2587A>G (LRG_177t1); short protein forms M863V, M836V.
Identifiers: ClinVar variation 97858 (VCV000097858.48), dbSNP rs104895447, ClinGen allele CA150286.

ClinVar aggregate classification (germline): Benign/Likely benign. Review status: criteria provided, multiple submitters, no conflicts (2 of 4 stars). 11 submissions from 10 submitters: Benign (2); Likely benign (5). 4 of the submissions do not count toward it. Last evaluated 2026-02-01.

Conditions:
NOD2-related disorder. Also called: NOD2-related condition.
Inflammatory bowel disease 1 (IBD1). Also called: Inflammatory bowel disease 1, Crohn disease; INFLAMMATORY BOWEL DISEASE (CROHN DISEASE) 1. Identifiers: MedGen CN260071, MONDO:0009960, OMIM 266600.
Autoinflammatory syndrome. Identifiers: Orphanet 93665, MedGen C3890737, MONDO:0019751.
Blau syndrome (BLAUS). Also called: GRANULOMATOSIS, FAMILIAL JUVENILE SYSTEMIC; GRANULOMATOSIS, FAMILIAL, BLAU TYPE; GRANULOMATOUS INFLAMMATORY ARTHRITIS, DERMATITIS, AND UVEITIS, FAMILIAL; JABS SYNDROME; ARTHROCUTANEOUVEAL GRANULOMATOSIS. Identifiers: Orphanet 90340, MedGen C5201146, MONDO:0008523, OMIM 186580.
Regional enteritis. Also called: Enteritis, Granulomatous. Identifiers: MedGen C0678202, MeSH D003424.

Allele frequency attached by ClinVar (database versions not stated): 1000 Genomes Project 0.00020; 1000 Genomes Project 30x 0.00031; gnomAD 0.00073; TOPMed 0.00081; ExAC 0.00120; ESP Exome Variant Server 0.00123.
gnomAD v4.1: 2,003 of 1,614,244 alleles (0.12%); highest among the groups gnomAD compares: Non-Finnish European, 0.12%; 11 homozygotes.

Submissions (11):

Labcorp Genetics (formerly Invitae), Labcorp
Classification: Benign for Regional enteritis; Blau syndrome. Last evaluated: 2026-02-01. Review status: criteria provided, single submitter. Criteria: Invitae Variant Classification Sherloc (09022015). Collection method: clinical testing. Allele origin: germline.

Women's Health and Genetics/Laboratory Corporation of America, LabCorp
Classification: Likely benign. Last evaluated: 2026-01-23. Review status: criteria provided, single submitter. Criteria: LabCorp Variant Classification Summary - May 2015. Collection method: clinical testing. Allele origin: germline.

CeGaT Center for Human Genetics Tuebingen
Classification: Likely benign. Last evaluated: 2022-11-01. Review status: criteria provided, single submitter. Criteria: CeGaT Center For Human Genetics Tuebingen Variant Classification Criteria Version 2. Collection method: clinical testing. Allele origin: germline. Affected: yes. Observed: 2 variant alleles.
Comment: NOD2: BP4, BS1

Genome Diagnostics Laboratory, The Hospital for Sick Children
Classification: Likely benign for Autoinflammatory syndrome. Last evaluated: 2022-03-10. Review status: criteria provided, single submitter. Criteria: ACMG Guidelines, 2015. Collection method: clinical testing. Allele origin: germline. Affected: yes.

Mayo Clinic Laboratories, Mayo Clinic
Classification: Benign. Last evaluated: 2020-09-15. Review status: criteria provided, single submitter. Criteria: ACMG Guidelines, 2015. Collection method: clinical testing. Allele origin: germline. Observed: 4 variant alleles.

Illumina Laboratory Services, Illumina
Classification: Likely benign for Inflammatory bowel disease 1. Last evaluated: 2017-04-27. Review status: criteria provided, single submitter. Criteria: ICSL Variant Classification Criteria 13 December 2019. Collection method: clinical testing. Allele origin: germline.
Comment: This variant was observed as part of a predisposition screen in an ostensibly healthy population. A literature search was performed for the gene, cDNA change, and amino acid change (where applicable). No publications were found based on this search. Allele frequency data from public databases allowed determination this variant is unlikely to cause disease. Therefore, this variant is classified as likely benign.

Illumina Laboratory Services, Illumina
Classification: Likely benign for Blau syndrome. Last evaluated: 2017-04-27. Review status: criteria provided, single submitter. Criteria: ICSL Variant Classification Criteria 13 December 2019. Collection method: clinical testing. Allele origin: germline.
Comment: the same text as in the submission from Illumina Laboratory Services, Illumina above.

PreventionGenetics, part of Exact Sciences
Classification: Likely benign for NOD2-related condition. Last evaluated: 2020-06-11. Review status: no assertion criteria provided. Collection method: clinical testing. Allele origin: germline. Not counted in ClinVar's aggregate classification.
Comment: This variant is classified as likely benign based on ACMG/AMP sequence variant interpretation guidelines (Richards et al. 2015 PMID: 25741868, with internal and published modifications).

Clinical Genetics DNA and cytogenetics Diagnostics Lab, Erasmus MC, Erasmus Medical Center
Classification: Likely benign. Review status: no assertion criteria provided. Collection method: clinical testing. Allele origin: germline. Affected: yes. Study: VKGL Data-share Consensus. Not counted in ClinVar's aggregate classification.

Genome Diagnostics Laboratory, University Medical Center Utrecht
Classification: Likely benign. Review status: no assertion criteria provided. Collection method: clinical testing. Allele origin: germline. Affected: yes. Study: VKGL Data-share Consensus. Not counted in ClinVar's aggregate classification.

Unité médicale des maladies autoinflammatoires, CHRU Montpellier
No classification provided. Condition: Sarcoidosis, early-onset. Review status: no classification provided. Collection method: not provided. Allele origin: unknown. Not counted in ClinVar's aggregate classification.
Comment: also involved in OMIM 186580 and 266600